The following is an entry in ClinVar:

NM_004820.5(CYP7B1):c.650T>C (p.Leu217Ser)

Gene: CYP7B1 (cytochrome P450 family 7 subfamily B member 1; minus strand). Cytogenetic location: 8q12.3.
Variant type: single nucleotide variant.
Coding change: c.650T>C on transcript NM_004820.5 (MANE Select); coding-DNA position 650, T replaced by C.
Protein change: p.Leu217Ser; replaces leucine 217 with serine.
Molecular consequence: missense variant.
Genome position (GRCh38, 1-based): chr8:64,615,891, A>G on the plus strand (T>C on the coding strand, the complement: CYP7B1 is on the minus strand). VCF-style: chr8-64615891-A-G. GRCh37 (hg19) VCF-style: chr8-65528448-A-G.
Other names: c.650T>C, p.Leu217Ser (NM_001324112.2); short protein forms L217S.
Identifiers: ClinVar variation 1386293 (VCV001386293.5), dbSNP rs1245262159, ClinGen allele CA371335276.

ClinVar aggregate classification (germline): Uncertain significance (1 of 4 stars; one submission).

Conditions:
Spastic paraplegia. Identifiers: MedGen C0037772, HP:0001258.

Allele frequency attached by ClinVar (database versions not stated): gnomAD exomes below 0.00001; TOPMed 0.00001.
gnomAD v4.1: 3 of 1,613,558 alleles (0.00019%); highest among the groups gnomAD compares: Admixed American, 0.0033%; no homozygotes.

Submission:

Labcorp Genetics (formerly Invitae), Labcorp
Classification: Uncertain significance for Spastic paraplegia. Last evaluated: 2021-08-31. Review status: criteria provided, single submitter. Criteria: Invitae Variant Classification Sherloc (09022015). Collection method: clinical testing. Allele origin: germline.
Comment: This sequence change replaces leucine with serine at codon 217 of the CYP7B1 protein (p.Leu217Ser). The leucine residue is moderately conserved and there is a large physicochemical difference between leucine and serine. This variant is not present in population databases (ExAC no frequency). This variant has not been reported in the literature in individuals affected with CYP7B1-related conditions. Algorithms developed to predict the effect of missense changes on protein structure and function output the following: SIFT: "Deleterious"; PolyPhen-2: "Benign"; Align-GVGD: "Class C0". The serine amino acid residue is found in multiple mammalian species, which suggests that this missense change does not adversely affect protein function. In summary, the available evidence is currently insufficient to determine the role of this variant in disease. Therefore, it has been classified as a Variant of Uncertain Significance.